The following is an entry in ClinVar:

ClinVar aggregate classification (germline): Uncertain significance (1 of 4 stars; one submission).

Conditions:
Propionic acidemia (PROP). Also called: KETOTIC HYPERGLYCINEMIA; GLYCINEMIA, KETOTIC; HYPERGLYCINEMIA WITH KETOACIDOSIS AND LEUKOPENIA. Identifiers: Orphanet 35, MedGen C0268579, MONDO:0011628, OMIM 606054, HP:0003571.

gnomAD v4.1: 1 of 1,609,704 alleles (0.000062%); highest among the groups gnomAD compares: South Asian, 0.0011%; no homozygotes.

Submission:

Hunan Provincial Maternal and Child Health Care Hospital
Classification: Uncertain significance for Propionic acidemia. Last evaluated: 2025-04-16. Review status: criteria provided, single submitter. Criteria: ACMG Guidelines, 2015. Collection method: research. Allele origin: maternal. Affected: yes. Observed: 1 variant allele.
Comment: In vitro experimental assays demonstrated that the c.183+6T>G mutation disrupts normal mRNA splicing, generating an aberrant splice variant characterized by 20 bp retention at the 5' end of Intron 1. The 20 bp intronic retention is represented at the cDNA and protein levels as: c.183_184insGTGAGGCCTGAGGGGCCTAA p.Gly62Valfs*10 This mutation induces a frameshift, creating a premature termination codon (PTC) within Exon 2, potentially yielding a truncated protein of 70 amino acids.

NM_000532.5(PCCB):c.183+6T>G

Gene: PCCB (propionyl-CoA carboxylase subunit beta; plus strand). Cytogenetic location: 3q22.3.
Variant type: single nucleotide variant.
Coding change: c.183+6T>G on transcript NM_000532.5 (MANE Select); 6 bases into the intron after coding-DNA position 183, T replaced by G.
Molecular consequence: intron variant.
Genome position (GRCh38, 1-based): chr3:136,250,564, T>G. VCF-style: chr3-136250564-T-G. GRCh37 (hg19) VCF-style: chr3-135969406-T-G.
Other names: c.183+6T>G (NM_001178014.2).
Identifiers: ClinVar variation 3899326 (VCV003899326.1).